The following is an entry in ClinVar:

ClinVar aggregate classification (germline): Uncertain significance. Review status: criteria provided, multiple submitters, no conflicts (2 of 4 stars). 4 submissions from 4 submitters: Uncertain significance (4). Last evaluated 2026-03-06.

Conditions:
Familial cold autoinflammatory syndrome 3 (FCAS3). Also called: FAMILIAL ATYPICAL COLD URTICARIA; ANTIBODY DEFICIENCY AND IMMUNE DYSREGULATION, PLCG2-ASSOCIATED. Identifiers: Orphanet 300359, MedGen C3280914, MONDO:0013766, OMIM 614468.
Autoinflammation-PLCG2-associated antibody deficiency-immune dysregulation. Also called: Autoinflammation, antibody deficiency, and immune dysregulation, plcg2-associated; AUTOINFLAMMATION, ANTIBODY DEFICIENCY, AND IMMUNE DYSREGULATION; Autoinflammation, antibody deficiency, and immune dysregulation syndrome. Identifiers: Orphanet 324530, MedGen C3553961, MONDO:0013944, OMIM 614878.

Allele frequency attached by ClinVar (database versions not stated): gnomAD exomes 0.00003; gnomAD 0.00004 and 0.00003; TOPMed 0.00004; ExAC 0.00003.
gnomAD v4.1: 23 of 1,613,570 alleles (0.0014%); highest among the groups gnomAD compares: Non-Finnish European, 0.0018%; no homozygotes.

Submissions (4):

GeneDx
Classification: Uncertain significance. Last evaluated: 2026-03-06. Review status: criteria provided, single submitter. Criteria: GeneDx Variant Classification Process June 2021. Collection method: clinical testing. Allele origin: germline.
Comment: Reported in a patient from a cohort of individuals diagnosed with CVID; however, detailed clinical information was not provided (PMID: 33859323); In silico analysis suggests that this missense variant does not alter protein structure/function; This variant is associated with the following publications: (PMID: 33859323)

Labcorp Genetics (formerly Invitae), Labcorp
Classification: Uncertain significance for Familial cold autoinflammatory syndrome 3. Last evaluated: 2025-07-21. Review status: criteria provided, single submitter. Criteria: Invitae Variant Classification Sherloc (09022015). Collection method: clinical testing. Allele origin: germline.
Comment: This sequence change replaces aspartic acid, which is acidic and polar, with glycine, which is neutral and non-polar, at codon 520 of the PLCG2 protein (p.Asp520Gly). This variant is present in population databases (rs201391996, gnomAD 0.007%). This missense change has been observed in individual(s) with common variable immunodefciency (PMID: 33859323). ClinVar contains an entry for this variant (Variation ID: 1391807). An algorithm developed to predict the effect of missense changes on protein structure and function (PolyPhen-2) suggests that this variant is likely to be tolerated. In summary, the available evidence is currently insufficient to determine the role of this variant in disease. Therefore, it has been classified as a Variant of Uncertain Significance.

Fulgent Genetics
Classification: Uncertain significance for Familial cold autoinflammatory syndrome 3; Autoinflammation-PLCG2-associated antibody deficiency-immune dysregulation. Last evaluated: 2021-11-29. Review status: criteria provided, single submitter. Criteria: ACMG Guidelines, 2015. Collection method: clinical testing. Allele origin: unknown.

Mayo Clinic Laboratories, Mayo Clinic
Classification: Uncertain significance. Last evaluated: 2021-08-17. Review status: criteria provided, single submitter. Criteria: ACMG Guidelines, 2015. Collection method: clinical testing. Allele origin: germline.

Literature cited by the submitters: PubMed 33859323 (cited by Labcorp Genetics (formerly Invitae), Labcorp).

NM_002661.5(PLCG2):c.1559A>G (p.Asp520Gly)

Gene: PLCG2 (phospholipase C gamma 2; plus strand). Cytogenetic location: 16q23.3.
Variant type: single nucleotide variant.
Coding change: c.1559A>G on transcript NM_002661.5 (MANE Select); coding-DNA position 1559, A replaced by G.
Protein change: p.Asp520Gly; replaces aspartic acid 520 with glycine.
Molecular consequence: missense variant.
Genome position (GRCh38, 1-based): chr16:81,908,417, A>G. VCF-style: chr16-81908417-A-G. GRCh37 (hg19) VCF-style: chr16-81942022-A-G.
Other names: p.Asp520Gly; short protein forms D520G.
Identifiers: ClinVar variation 1391807 (VCV001391807.11), dbSNP rs201391996, ClinGen allele CA8193856.